The following is an entry in ClinVar:

NM_001399.5(EDA):c.67C>T (p.Gln23Ter)

Gene: EDA (ectodysplasin A; plus strand). Cytogenetic location: Xq13.1.
Variant type: single nucleotide variant.
Coding change: c.67C>T on transcript NM_001399.5 (MANE Select); coding-DNA position 67, C replaced by T.
Protein change: p.Gln23Ter; replaces glutamine 23 with a stop codon.
Molecular consequence: nonsense.
Genome position (GRCh38, 1-based): chrX:69,616,375, C>T. VCF-style: chrX-69616375-C-T. GRCh37 (hg19) VCF-style: chrX-68836219-C-T.
Other names: c.67C>T, p.Gln23Ter (NM_001005609.2, NM_001005610.4, NM_001005612.3 and 1 more transcripts); short protein forms Q23*.
Identifiers: ClinVar variation 11033 (VCV000011033.10), dbSNP rs132630310, ClinGen allele CA255651.

ClinVar aggregate classification (germline): Pathogenic. Review status: criteria provided, multiple submitters, no conflicts (2 of 4 stars). 4 submissions from 4 submitters: Pathogenic (3). 1 of the submissions does not count toward it. Last evaluated 2026-03-10.

Conditions:
EDA-related disorder. Also called: EDA-related condition; EDA-related disorders.
Hypohidrotic X-linked ectodermal dysplasia (XHED). Also called: ECTODERMAL DYSPLASIA 1, HYPOHIDROTIC/HAIR/TOOTH TYPE, X-LINKED; Ectodermal Dysplasia 1, Anhidrotic; ECTODERMAL DYSPLASIA 1, HYPOHIDROTIC, X-LINKED; Anhidrotic ectodermal dysplasia X-linked; Christ Siemens Touraine syndrome; ECTODERMAL DYSPLASIA, HYPOHIDROTIC, 1. Identifiers: Orphanet 181, Orphanet 238468, MedGen C0162359, MONDO:0010585, OMIM 305100.

Submissions (4):

PreventionGenetics, part of Exact Sciences
Classification: Pathogenic for EDA-related condition. Last evaluated: 2026-03-10. Review status: criteria provided, single submitter. Criteria: ACMG Guidelines, 2015. Collection method: clinical testing. Allele origin: germline.
Comment: The EDA c.67C>T variant is predicted to result in premature protein termination (p.Gln23*). This variant has been reported in an individual with hypohidrotic ectodermal dysplasia (Ferguson et al. 1998. PubMed ID: 9507389). This variant has not been reported in a large population database (gnomAD), indicating this variant is rare. Nonsense variants in EDA are expected to be pathogenic. This variant is interpreted as pathogenic.

GeneDx
Classification: Pathogenic. Last evaluated: 2024-05-14. Review status: criteria provided, single submitter. Criteria: GeneDx Variant Classification Process June 2021. Collection method: clinical testing. Allele origin: germline. Affected: yes.
Comment: Nonsense variant predicted to result in protein truncation or nonsense mediated decay in a gene for which loss of function is a known mechanism of disease; Not observed at significant frequency in large population cohorts (gnomAD); This variant is associated with the following publications: (PMID: 9507389)

Labcorp Genetics (formerly Invitae), Labcorp
Classification: Pathogenic for Hypohidrotic X-linked ectodermal dysplasia. Last evaluated: 2017-11-02. Review status: criteria provided, single submitter. Criteria: Invitae Variant Classification Sherloc (09022015). Collection method: clinical testing. Allele origin: germline.
Comment: Loss-of-function variants in EDA are known to be pathogenic (PMID: 9683615). This variant has been reported in the literature in an individual affected with X linked hypohidrotic ectodermal dysplasia (PMID: 9507389). ClinVar contains an entry for this variant (Variation ID: 11033). This variant is not present in population databases (ExAC no frequency). This sequence change creates a premature translational stop signal (p.Gln23*) in the EDA gene. It is expected to result in an absent or disrupted protein product. For these reasons, this variant has been classified as Pathogenic.

OMIM
Classification: Pathogenic for ECTODERMAL DYSPLASIA 1, HYPOHIDROTIC/HAIR/TOOTH TYPE, X-LINKED. Last evaluated: 1998-02-01. Review status: no assertion criteria provided. Collection method: literature only. Allele origin: germline. Not counted in ClinVar's aggregate classification.

Literature cited by the submitters: PubMed 9683615 (cited by Labcorp Genetics (formerly Invitae), Labcorp); PubMed 9507389 (cited by Labcorp Genetics (formerly Invitae), Labcorp and OMIM).